The following is an entry in ClinVar:

NM_001101426.4(CRPPA):c.*2276T>C

Gene: CRPPA (CDP-L-ribitol pyrophosphorylase A; minus strand). Cytogenetic location: 7p21.2.
Variant type: single nucleotide variant.
Coding change: c.*2276T>C on transcript NM_001101426.4 (MANE Select); 2276 bases downstream of the stop codon, T replaced by C.
Molecular consequence: 3 prime UTR variant. On other transcripts: non-coding transcript variant (1).
Genome position (GRCh38, 1-based): chr7:16,089,419, A>G on the plus strand (T>C on the coding strand, the complement: CRPPA is on the minus strand). VCF-style: chr7-16089419-A-G. GRCh37 (hg19) VCF-style: chr7-16129044-A-G.
Other names: c.*2276T>C (NM_001101417.4, NM_001368197.1).
Identifiers: ClinVar variation 359531 (VCV000359531.5), dbSNP rs117664754, ClinGen allele CA4169275.

ClinVar aggregate classification (germline): Benign (1 of 4 stars; one submission).

Conditions:
Congenital Muscular Dystrophy, alpha-dystroglycan related.

Allele frequency attached by ClinVar (database versions not stated): ExAC 0.00042; gnomAD exomes 0.00179 and 0.00519; gnomAD 0.00689 and 0.00721; 1000 Genomes Project 0.02316.
gnomAD v4.1: 1,313 of 339,372 alleles (0.39%); highest among the groups gnomAD compares: African/African-American, 1.8%; 39 homozygotes.

Submission:

Illumina Laboratory Services, Illumina
Classification: Benign for Congenital Muscular Dystrophy, alpha-dystroglycan related. Last evaluated: 2018-01-13. Review status: criteria provided, single submitter. Criteria: ICSL Variant Classification Criteria 13 December 2019. Collection method: clinical testing. Allele origin: germline.
Comment: This variant was observed in the ICSL laboratory as part of a predisposition screen in an ostensibly healthy population. It had not been previously curated by ICSL or reported in the Human Gene Mutation Database (HGMD: prior to June 1st, 2018), and was therefore a candidate for classification through an automated scoring system. Utilizing variant allele frequency, disease prevalence and penetrance estimates, and inheritance mode, an automated score was calculated to assess if this variant is too frequent to cause the disease. Based on the score and internal cut-off values, a variant classified as benign is not then subjected to further curation. The score for this variant resulted in a classification of benign for this disease.